The following is an entry in ClinVar:

ClinVar aggregate classification (germline): Pathogenic/Likely pathogenic. Review status: criteria provided, multiple submitters, no conflicts (2 of 4 stars). 11 submissions from 11 submitters: Pathogenic (9); Likely pathogenic (1). 1 of the submissions does not count toward it. Last evaluated 2025-07-18.

Conditions:
Sialuria. Also called: SIALURIA, FRENCH TYPE; Sialic Acid Storage Disease. Identifiers: Orphanet 3166, MedGen C0342853, MONDO:0010028, OMIM 269921.
GNE myopathy (NM). Also called: NONAKA DISTAL MYOPATHY; INCLUSION BODY MYOPATHY, HEREDITARY, AUTOSOMAL RECESSIVE; INCLUSION BODY MYOPATHY 2, AUTOSOMAL RECESSIVE; IBM 2; Inclusion body myopathy autosomal recessive; Inclusion body myopathy quadriceps sparing. Identifiers: Orphanet 602, MedGen C1853926, MONDO:0011603, OMIM 605820.
Thrombocytopenia 12 with or without myopathy (THC12). Identifiers: MedGen C5935593, MONDO:0958325, OMIM 620757.

Allele frequency attached by ClinVar (database versions not stated): ExAC 0.00002; gnomAD 0.00001; TOPMed 0.00002; gnomAD exomes 0.00001.
gnomAD v4.1: 13 of 1,613,492 alleles (0.00081%); highest among the groups gnomAD compares: Admixed American, 0.0033%; no homozygotes.

Submissions (11):

Institute of Medical Genetics and Applied Genomics, University Hospital Tübingen
Classification: Pathogenic for GNE myopathy. Last evaluated: 2025-07-18. Review status: criteria provided, single submitter. Criteria: ACMG Guidelines, 2015. Collection method: clinical testing. Allele origin: germline. Inheritance: Autosomal recessive inheritance. Affected: yes.

Natera, Inc.
Classification: Pathogenic for Nonaka myopathy. Last evaluated: 2025-07-18. Review status: criteria provided, single submitter. Criteria: Natera Variant Classification Schema (03/2026). Collection method: clinical testing. Allele origin: germline.
Comment: The c.829C>T variant in GNE is a missense variant predicted to cause substitution of arginine to tryptophan at amino acid 277. This variant is rare in the general population with a frequency below the threshold expected for the associated phenotype(s). This variant has been observed in one or more individuals affected with the associated recessive disease, as either homozygous or compound heterozygous with a second variant (PMID: 29305133, 26231298, 23127962). A different variant at the same position has been determined to be Pathogenic or Likely Pathogenic. Computational prediction algorithms indicate this variant is likely to affect gene or protein function. Given the available evidence, this variant is classified as Pathogenic.

Labcorp Genetics (formerly Invitae), Labcorp
Classification: Pathogenic for Sialuria; GNE myopathy. Last evaluated: 2025-07-13. Review status: criteria provided, single submitter. Criteria: Invitae Variant Classification Sherloc (09022015). Collection method: clinical testing. Allele origin: germline.
Comment: This sequence change replaces arginine, which is basic and polar, with tryptophan, which is neutral and slightly polar, at codon 277 of the GNE protein (p.Arg277Trp). This variant is present in population databases (rs773729410, gnomAD 0.004%). This missense change has been observed in individual(s) with autosomal recessive hereditary inclusion body myopathy (PMID: 26231298). In at least one individual the data is consistent with being in trans (on the opposite chromosome) from a pathogenic variant. ClinVar contains an entry for this variant (Variation ID: 197184). Invitae Evidence Modeling of protein sequence and biophysical properties (such as structural, functional, and spatial information, amino acid conservation, physicochemical variation, residue mobility, and thermodynamic stability) has been performed for this missense variant. However, the output from this modeling did not meet the statistical confidence thresholds required to predict the impact of this variant on GNE protein function. Experimental studies have shown that this missense change affects GNE function (PMID: 15987957). For these reasons, this variant has been classified as Pathogenic.

Fulgent Genetics
Classification: Pathogenic for Sialuria; GNE myopathy; Thrombocytopenia 12 with or without myopathy. Last evaluated: 2024-06-23. Review status: criteria provided, single submitter. Criteria: ACMG Guidelines, 2015. Collection method: clinical testing. Allele origin: germline.

Baylor Genetics
Classification: Likely pathogenic for GNE myopathy. Last evaluated: 2023-12-10. Review status: criteria provided, single submitter. Criteria: ACMG Guidelines, 2015. Collection method: clinical testing. Allele origin: unknown.

GeneDx
Classification: Pathogenic. Last evaluated: 2023-09-20. Review status: criteria provided, single submitter. Criteria: GeneDx Variant Classification Process June 2021. Collection method: clinical testing. Allele origin: germline. Affected: yes.
Comment: Published functional studies demonstrate that this variant leads to significantly reduced enzyme activity (Sparks et al., 2005); Missense variants in this gene are often considered pathogenic (HGMD); In silico analysis supports that this missense variant has a deleterious effect on protein structure/function; Not observed at significant frequency in large population cohorts (gnomAD); This variant is associated with the following publications: (PMID: 22507750, 12409274, 25966635, 31589614, 30390020, 24796702, 20346669, 19917666, 26231298, 18555875, 25002140, 21307865, 17098358, 15987957, 36360228, 35248449, 35438352, 37066920)

Women's Health and Genetics/Laboratory Corporation of America, LabCorp
Classification: Pathogenic for GNE myopathy. Last evaluated: 2022-12-24. Review status: criteria provided, single submitter. Criteria: LabCorp Variant Classification Summary - May 2015. Collection method: clinical testing. Allele origin: germline.
Comment: Variant summary: GNE c.829C>T (p.Arg277Trp) results in a non-conservative amino acid change located in the UDP-N-acetylglucosamine 2-epimerase domain (IPR003331) of the encoded protein sequence. Four of five in-silico tools predict a damaging effect of the variant on protein function. The variant allele was found at a frequency of 1.2e-05 in 251416 control chromosomes. c.829C>T has been reported in the literature as biallelic homozygous or compound heterozygous genotypes in multiple individuals affected with features of Inclusion Body Myopathy/GNE myopathy (example, PMID: 26231298, 21307865, 29305133, 15987957, 20346669). These data indicate that the variant is very likely to be associated with disease. At least one publication reports experimental evidence evaluating an impact on protein function (example, PMID: 15987957). The most pronounced variant effect results in <2% of normal uridine diphosphate (UDP)-N-acetylglucosamine (GlcNAc) 2-epimerase (GNE) enzyme activity in-vitro. Five clinical diagnostic laboratories have submitted clinical-significance assessments for this variant to ClinVar after 2014 without evidence for independent evaluation. All laboratories classified the variant as pathogenic/likely pathogenic. Based on the evidence outlined above, the variant was classified as pathogenic.

Revvity Omics, Revvity
Classification: Pathogenic. Last evaluated: 2022-06-28. Review status: criteria provided, single submitter. Criteria: ACMG Guidelines, 2015. Collection method: clinical testing. Allele origin: germline.

Kariminejad - Najmabadi Pathology & Genetics Center
Classification: Pathogenic for GNE myopathy. Last evaluated: 2022-01-01. Review status: criteria provided, single submitter. Criteria: ACMG Guidelines, 2015. Collection method: clinical testing. Allele origin: germline. Inheritance: Autosomal recessive inheritance. Affected: yes. Observed: 2 variant alleles.
Comment: PM1,PM2,PM5,PP3,PP5

Eurofins Ntd Llc (ga)
Classification: Pathogenic. Last evaluated: 2016-05-19. Review status: criteria provided, single submitter. Criteria: EGL Classification Definitions 2015. Collection method: clinical testing. Allele origin: germline. Observed: 2 variant alleles, 2 heterozygotes.

Counsyl
Classification: Likely pathogenic for GNE myopathy. Last evaluated: 2018-09-26. Review status: no assertion criteria provided. Collection method: clinical testing. Allele origin: unknown. Not counted in ClinVar's aggregate classification.

Literature cited by the submitters: PubMed 29305133 (cited by Natera, Inc. and Women's Health and Genetics/Laboratory Corporation of America, LabCorp); PubMed 26231298 (cited by 4 submitters); PubMed 23127962 (cited by Natera, Inc.); PubMed 15987957 (cited by 4 submitters); PubMed 21307865 (cited by Women's Health and Genetics/Laboratory Corporation of America, LabCorp); PubMed 20346669 (cited by Women's Health and Genetics/Laboratory Corporation of America, LabCorp and Counsyl); PubMed 12409274 (cited by Eurofins Ntd Llc (ga) and Counsyl); PubMed 24796702 (cited by Eurofins Ntd Llc (ga) and Counsyl); PubMed 22507750 (cited by Counsyl); PubMed 19917666 (cited by Counsyl); PubMed 24136589 (cited by Counsyl); PubMed 24027297 (cited by Counsyl).

NM_005476.7(GNE):c.736C>T (p.Arg246Trp)

Gene: GNE (glucosamine (UDP-N-acetyl)-2-epimerase/N-acetylmannosamine kinase; minus strand). Cytogenetic location: 9p13.3.
Variant type: single nucleotide variant.
Coding change: c.736C>T on transcript NM_005476.7 (MANE Select); coding-DNA position 736, C replaced by T.
Protein change: p.Arg246Trp; replaces arginine 246 with tryptophan.
Molecular consequence: missense variant. On other transcripts: intron variant (2).
Genome position (GRCh38, 1-based): chr9:36,236,865, G>A on the plus strand (C>T on the coding strand, the complement: GNE is on the minus strand). VCF-style: chr9-36236865-G-A. GRCh37 (hg19) VCF-style: chr9-36236862-G-A.
Other names: c.829C>T, p.Arg277Trp (NM_001128227.3); c.736C>T, p.Arg246Trp (NM_001190383.3); c.559C>T, p.Arg187Trp (NM_001190388.2, NM_001374798.1); c.440-2733C>T (NM_001190384.3); c.617-2733C>T (NM_001374797.1); short protein forms R277W, R246W, R187W.
Identifiers: ClinVar variation 197184 (VCV000197184.27), dbSNP rs773729410, ClinGen allele CA275247.